The following is an entry in ClinVar:

NM_018557.3(LRP1B):c.4392A>G (p.Arg1464=)

Gene: LRP1B (LDL receptor related protein 1B; minus strand). Cytogenetic location: 2q22.1.
Variant type: single nucleotide variant.
Coding change: c.4392A>G on transcript NM_018557.3 (MANE Select); coding-DNA position 4392, A replaced by G.
Protein change: p.Arg1464=; no amino-acid change (arginine 1464 retained).
Molecular consequence: synonymous variant.
Genome position (GRCh38, 1-based): chr2:140,867,777, T>C on the plus strand (A>G on the coding strand, the complement: LRP1B is on the minus strand). VCF-style: chr2-140867777-T-C. GRCh37 (hg19) VCF-style: chr2-141625346-T-C.
Identifiers: ClinVar variation 3041947 (VCV003041947.2), dbSNP rs79054985, ClinGen allele CA1895187.

ClinVar aggregate classification (germline): Benign (0 of 4 stars; one submission).

Conditions:
LRP1B-related disorder. Also called: LRP1B-related condition.

Allele frequency attached by ClinVar (database versions not stated): gnomAD exomes 0.00332; ExAC 0.01122; gnomAD 0.03189; 1000 Genomes Project 0.03435; 1000 Genomes Project 30x 0.03592; TOPMed 0.03698; ESP Exome Variant Server 0.03921.
gnomAD v4.1: 9,920 of 1,606,592 alleles (0.62%); highest among the groups gnomAD compares: African/African-American, 11%; 492 homozygotes.

Submission:

PreventionGenetics, part of Exact Sciences
Classification: Benign for LRP1B-related condition. Last evaluated: 2019-02-19. Review status: no assertion criteria provided. Collection method: clinical testing. Allele origin: germline.
Comment: This variant is classified as benign based on ACMG/AMP sequence variant interpretation guidelines (Richards et al. 2015 PMID: 25741868, with internal and published modifications).